The following is an entry in ClinVar:

NM_005751.5(AKAP9):c.3685A>G (p.Asn1229Asp)

Gene: AKAP9 (A-kinase anchoring protein 9; plus strand). Cytogenetic location: 7q21.2.
Variant type: single nucleotide variant.
Coding change: c.3685A>G on transcript NM_005751.5 (MANE Select); coding-DNA position 3685, A replaced by G.
Protein change: p.Asn1229Asp; replaces asparagine 1229 with aspartic acid.
Molecular consequence: missense variant.
Genome position (GRCh38, 1-based): chr7:92,016,201, A>G. VCF-style: chr7-92016201-A-G. GRCh37 (hg19) VCF-style: chr7-91645515-A-G.
Other names: c.3685A>G (NM_005751.4); c.3685A>G, p.Asn1229Asp (NM_147185.3); short protein forms N1229D.
Identifiers: ClinVar variation 1411073 (VCV001411073.10), dbSNP rs763770694, ClinGen allele CA4336369.
Genomic context (GRCh38, chr7:92,016,201, plus strand): 5'-GTCCTTGGTGAATATTATACTCCTGCTTTAAAATGTGAAGTAAATGCAGAAGACAAAGAG[A>G]ATTCTGGTGATTACATTTCTGAAAATGAAGATCCAGAATTACAAGATTATAGATATGAAG-3'
Protein context (NP_005742.4, residues 1219-1239): KCEVNAEDKE[Asn1229Asp]SGDYISENED

ClinVar aggregate classification (germline): Uncertain significance. Review status: criteria provided, multiple submitters, no conflicts (2 of 4 stars). 3 submissions from 3 submitters: Uncertain significance (3). Last evaluated 2024-01-01.

Conditions:
Long QT syndrome 11 (LQT11). Identifiers: Orphanet 101016, Orphanet 768, MedGen C2678483, MONDO:0012738, OMIM 611820.
Cardiovascular phenotype. Identifiers: MedGen CN230736.
Long QT syndrome (LQTS). Identifiers: MedGen C0023976, MeSH D008133, MONDO:0002442. Disease mechanism: loss of function. Inheritance: Various modes of inheritance.

Allele frequency attached by ClinVar (database versions not stated): gnomAD exomes below 0.00001 and 0.00001; ExAC 0.00001.
gnomAD v4.1: 7 of 1,584,128 alleles (0.00044%); highest among the groups gnomAD compares: Non-Finnish European, 0.00061%; no homozygotes.

Submissions (3):

Ambry Genetics
Classification: Uncertain significance for Cardiovascular phenotype. Last evaluated: 2024-01-01. Review status: criteria provided, single submitter. Criteria: Ambry Variant Classification Scheme 2023. Collection method: clinical testing. Allele origin: germline.
Comment: The p.N1229D variant (also known as c.3685A>G), located in coding exon 11 of the AKAP9 gene, results from an A to G substitution at nucleotide position 3685. The asparagine at codon 1229 is replaced by aspartic acid, an amino acid with highly similar properties. This amino acid position is conserved. In addition, this alteration is predicted to be tolerated by in silico analysis. Since supporting evidence is limited at this time, the clinical significance of this alteration remains unclear.

Fulgent Genetics
Classification: Uncertain significance for Long QT syndrome 11. Last evaluated: 2021-10-25. Review status: criteria provided, single submitter. Criteria: ACMG Guidelines, 2015. Collection method: clinical testing. Allele origin: unknown.

Labcorp Genetics (formerly Invitae), Labcorp
Classification: Uncertain significance for Long QT syndrome. Last evaluated: 2021-03-15. Review status: criteria provided, single submitter. Criteria: Invitae Variant Classification Sherloc (09022015). Collection method: clinical testing. Allele origin: germline.
Comment: Algorithms developed to predict the effect of missense changes on protein structure and function (SIFT, PolyPhen-2, Align-GVGD) all suggest that this variant is likely to be tolerated, but these predictions have not been confirmed by published functional studies and their clinical significance is uncertain. This variant has not been reported in the literature in individuals with AKAP9-related conditions. This variant is present in population databases (rs763770694, ExAC 0.002%). This sequence change replaces asparagine with aspartic acid at codon 1229 of the AKAP9 protein (p.Asn1229Asp). The asparagine residue is weakly conserved and there is a small physicochemical difference between asparagine and aspartic acid. In summary, the available evidence is currently insufficient to determine the role of this variant in disease. Therefore, it has been classified as a Variant of Uncertain Significance.